The following is an entry in ClinVar:

GRCh38/hg38 3p26.1(chr3:4952758-4989256)x3

Genes: BHLHE40 (basic helix-loop-helix family member e40; plus strand), BHLHE40-AS1 (BHLHE40 antisense RNA 1; minus strand), LOC129936073 (ATAC-STARR-seq lymphoblastoid active region 19362; plus strand), LOC129936074 (ATAC-STARR-seq lymphoblastoid active region 19363; plus strand), LOC129936075 (ATAC-STARR-seq lymphoblastoid active region 19364; plus strand) and 7 more. Cytogenetic location: 3p26.1.
Variant type: copy number gain.
Change: copy number 3 (three copies instead of two) of chr3:4,952,758-4,989,256 (36.5 kb, GRCh38 coordinates, 1-based), cytogenetic band 3p26.1.
Identifiers: ClinVar variation 151878 (VCV000151878.1).

ClinVar aggregate classification (germline): conflicting data from submitters (0 of 4 stars; one submission).

Submission:

GeneDx
Classification: conflicting data from submitters. Last evaluated: 2011-04-30. Review status: no assertion criteria provided. Collection method: clinical testing. Allele origin: not provided. Affected: yes. Observed: 2 variant alleles.
Comment: Uncertain significance(1), Likely benign (1)